The following is an entry in ClinVar:

NM_001385012.1(NBEA):c.5305G>C (p.Asp1769His)

Gene: NBEA (neurobeachin; plus strand). Cytogenetic location: 13q13.3.
Variant type: single nucleotide variant.
Coding change: c.5305G>C on transcript NM_001385012.1 (MANE Select); coding-DNA position 5305, G replaced by C.
Protein change: p.Asp1769His; replaces aspartic acid 1769 with histidine.
Molecular consequence: missense variant.
Genome position (GRCh38, 1-based): chr13:35,196,241, G>C. VCF-style: chr13-35196241-G-C. GRCh37 (hg19) VCF-style: chr13-35770378-G-C.
Other names: c.5296G>C, p.Asp1766His (NM_001379245.1); c.5305G>C, p.Asp1769His (NM_015678.5); short protein forms D1769H, D1766H.
Identifiers: ClinVar variation 5010059 (VCV005010059.1).
Genomic context (GRCh38, chr13:35,196,241, plus strand): 5'-AGTCTTGTGGCTGCTCCAGTTGAAATAGCAGAATGTGGCCCTGAACCTATCCCATACCCA[G>C]ATCCAGCATTGAAGAGAGAAACACAAGCTATTCTTCCTATGCAGTTTCATTCCTTTGACA-3'
Protein context (NP_001371941.1, residues 1759-1779): ECGPEPIPYP[Asp1769His]PALKRETQAI

ClinVar aggregate classification (germline): Uncertain significance (1 of 4 stars; one submission).

gnomAD v4.1: 2 of 1,613,560 alleles (0.00012%); highest among the groups gnomAD compares: Non-Finnish European, 0.00017%; no homozygotes.

Submission:

GeneDx
Classification: Uncertain significance. Last evaluated: 2026-02-23. Review status: criteria provided, single submitter. Criteria: GeneDx Variant Classification Process June 2021. Collection method: clinical testing. Allele origin: germline.
Comment: Not observed at significant frequency in large population cohorts (gnomAD); In silico analysis suggests that this missense variant does not alter protein structure/function; Has not been previously published as pathogenic or benign to our knowledge